The following is an entry in ClinVar:

NM_006261.5(PROP1):c.424G>A (p.Ala142Thr)

Gene: PROP1 (PROP paired-like homeobox 1; minus strand). Cytogenetic location: 5q35.3.
Variant type: single nucleotide variant.
Coding change: c.424G>A on transcript NM_006261.5 (MANE Select); coding-DNA position 424, G replaced by A.
Protein change: p.Ala142Thr; replaces alanine 142 with threonine.
Molecular consequence: missense variant.
Genome position (GRCh38, 1-based): chr5:177,992,966, C>T on the plus strand (G>A on the coding strand, the complement: PROP1 is on the minus strand). VCF-style: chr5-177992966-C-T. GRCh37 (hg19) VCF-style: chr5-177419967-C-T.
Other names: short protein forms A142T.
Identifiers: ClinVar variation 196434 (VCV000196434.28), dbSNP rs1800197, ClinGen allele CA202375.

ClinVar aggregate classification (germline): Benign/Likely benign. Review status: criteria provided, multiple submitters, no conflicts (2 of 4 stars). 9 submissions from 9 submitters: Benign (7); Likely benign (1). 1 of the submissions does not count toward it. Last evaluated 2026-02-04.

Conditions:
Pituitary hormone deficiency, combined, 2. Also called: PROP1-Related Combined Pituitary Hormone Deficiency; ATELIOTIC DWARFISM WITH HYPOGONADISM; PITUITARY DWARFISM III; HANHART DWARFISM. Identifiers: MedGen C0878683, MONDO:0009878, OMIM 262600.

Allele frequency attached by ClinVar (database versions not stated): 1000 Genomes Project 30x 0.20144; 1000 Genomes Project 0.20467; TOPMed 0.22578; gnomAD 0.22589 and 0.22652; ESP Exome Variant Server 0.23812; ExAC 0.24498; gnomAD exomes 0.24785 and 0.27667.

Submissions (9):

Labcorp Genetics (formerly Invitae), Labcorp
Classification: Benign. Last evaluated: 2026-02-04. Review status: criteria provided, single submitter. Criteria: Invitae Variant Classification Sherloc (09022015). Collection method: clinical testing. Allele origin: germline.

Blueprint Genetics
Classification: Likely benign. Last evaluated: 2024-11-26. Review status: criteria provided, single submitter. Criteria: ACMG Guidelines, 2015. Collection method: clinical testing. Allele origin: germline.

Genome-Nilou Lab
Classification: Benign for Pituitary hormone deficiency, combined, 2. Last evaluated: 2021-07-10. Review status: criteria provided, single submitter. Criteria: ACMG Guidelines, 2015. Collection method: clinical testing. Allele origin: germline. Affected: no.

GeneDx
Classification: Benign. Last evaluated: 2018-08-09. Review status: criteria provided, single submitter. Criteria: GeneDx Variant Classification Process June 2021. Collection method: clinical testing. Allele origin: germline. Affected: yes.

Athena Diagnostics
Classification: Benign. Last evaluated: 2018-04-10. Review status: criteria provided, single submitter. Criteria: Athena Diagnostics Criteria. Collection method: clinical testing. Allele origin: germline.

Illumina Laboratory Services, Illumina
Classification: Benign for Pituitary hormone deficiency, combined, 2. Last evaluated: 2018-01-13. Review status: criteria provided, single submitter. Criteria: ICSL Variant Classification Criteria 13 December 2019. Collection method: clinical testing. Allele origin: germline.
Comment: This variant was observed in the ICSL laboratory as part of a predisposition screen in an ostensibly healthy population. It had not been previously curated by ICSL or reported in the Human Gene Mutation Database (HGMD: prior to June 1st, 2018), and was therefore a candidate for classification through an automated scoring system. Utilizing variant allele frequency, disease prevalence and penetrance estimates, and inheritance mode, an automated score was calculated to assess if this variant is too frequent to cause the disease. Based on the score and internal cut-off values, a variant classified as benign is not then subjected to further curation. The score for this variant resulted in a classification of benign for this disease.

Eurofins Ntd Llc (ga)
Classification: Benign. Last evaluated: 2016-12-15. Review status: criteria provided, single submitter. Criteria: EGL Classification Definitions 2015. Collection method: clinical testing. Allele origin: germline. Observed: 55 variant alleles, 48 heterozygotes, 7 homozygotes.

Laboratory for Molecular Medicine, Mass General Brigham Personalized Medicine
Classification: Benign. Last evaluated: 2016-03-29. Review status: criteria provided, single submitter. Criteria: LMM Criteria. Collection method: clinical testing. Allele origin: germline.
Comment: Variant identified in a genome or exome case(s) and assessed due to predicted null impact of the variant or pathogenic assertions in the literature or databases. Disclaimer: This variant has not undergone full assessment. The following are preliminary notes: Frequency

Natera, Inc.
Classification: Benign for Combined pituitary hormone deficiency type 2. Last evaluated: 2020-09-16. Review status: no assertion criteria provided. Collection method: clinical testing. Allele origin: germline. Not counted in ClinVar's aggregate classification.

Literature cited by the submitters: PubMed 15963055 (cited by Athena Diagnostics); PubMed 11549703 (cited by Athena Diagnostics).